The following is an entry in ClinVar:

NM_025000.4(DCAF17):c.1246G>C (p.Asp416His)

Gene: DCAF17 (DDB1 and CUL4 associated factor 17; plus strand). Cytogenetic location: 2q31.1.
Variant type: single nucleotide variant.
Coding change: c.1246G>C on transcript NM_025000.4 (MANE Select); coding-DNA position 1246, G replaced by C.
Protein change: p.Asp416His; replaces aspartic acid 416 with histidine.
Molecular consequence: missense variant. On other transcripts: non-coding transcript variant (1).
Genome position (GRCh38, 1-based): chr2:171,478,050, G>C. VCF-style: chr2-171478050-G-C. GRCh37 (hg19) VCF-style: chr2-172334560-G-C.
Other names: c.1045G>C, p.Asp349His (NM_001164821.2); short protein forms D349H, D416H.
Identifiers: ClinVar variation 2142420 (VCV002142420.1), dbSNP rs1211965571, ClinGen allele CA349279317.
Genomic context (GRCh38, chr2:171,478,050, plus strand): 5'-GAAAATGTACTCACTGTTACAGCTTCTGGACGGGTGGTAAAAAAAAGTTTTAACCTTCTG[G>C]ATGATGACCCAGAACAAGAGGTATTGCTTTGGCCAGAGATGACAAACCAAACCAGTGTGT-3'
Protein context (NP_079276.2, residues 406-426): RVVKKSFNLL[Asp416His]DDPEQETFKI

ClinVar aggregate classification (germline): Uncertain significance (1 of 4 stars; one submission).

Conditions:
Woodhouse-Sakati syndrome. Also called: EXTRAPYRAMIDAL DISORDER, PROGRESSIVE, WITH PRIMARY HYPOGONADISM, MENTAL RETARDATION, AND ALOPECIA; Hypogonadism, Alopecia, Diabetes Mellitus, Mental Retardation, and Extrapyramidal Syndrome; Hypogonadism, diabetes mellitus, alopecia, mental retardation and electrocardiographic abnormalities. Identifiers: Orphanet 3464, MedGen C0342286, MONDO:0009419, OMIM 241080.

Allele frequency attached by ClinVar (database versions not stated): gnomAD exomes 0.00001; gnomAD 0.00003; TOPMed 0.00005.
gnomAD v4.1: 13 of 1,613,732 alleles (0.00081%); highest among the groups gnomAD compares: African/African-American, 0.0013%; no homozygotes.

Submission:

Labcorp Genetics (formerly Invitae), Labcorp
Classification: Uncertain significance for Woodhouse-Sakati syndrome. Last evaluated: 2022-02-24. Review status: criteria provided, single submitter. Criteria: Invitae Variant Classification Sherloc (09022015). Collection method: clinical testing. Allele origin: germline.
Comment: This sequence change replaces aspartic acid, which is acidic and polar, with histidine, which is basic and polar, at codon 416 of the DCAF17 protein (p.Asp416His). This variant is present in population databases (no rsID available, gnomAD 0.0009%). This variant has not been reported in the literature in individuals affected with DCAF17-related conditions. Algorithms developed to predict the effect of missense changes on protein structure and function are either unavailable or do not agree on the potential impact of this missense change (SIFT: "Deleterious"; PolyPhen-2: "Probably Damaging"; Align-GVGD: "Class C0"). Algorithms developed to predict the effect of sequence changes on RNA splicing suggest that this variant may disrupt the consensus splice site. In summary, the available evidence is currently insufficient to determine the role of this variant in disease. Therefore, it has been classified as a Variant of Uncertain Significance.